The following is an entry in ClinVar:

ClinVar aggregate classification (germline): Benign/Likely benign. Review status: criteria provided, multiple submitters, no conflicts (2 of 4 stars). 8 submissions from 8 submitters: Benign (4); Likely benign (1). 3 of the submissions do not count toward it. Last evaluated 2026-02-04.

Conditions:
GATA5-related disorder. Also called: GATA5-related condition.

Allele frequency attached by ClinVar (database versions not stated): 1000 Genomes Project 30x 0.14147; 1000 Genomes Project 0.14257; gnomAD 0.15464 and 0.15591; TOPMed 0.15732; gnomAD exomes 0.15926 and 0.17949; ExAC 0.25641.
gnomAD v4.1: 220,512 of 1,251,246 alleles (18%); highest among the groups gnomAD compares: Admixed American, 20%; 19,870 homozygotes.

Submissions (8):

Labcorp Genetics (formerly Invitae), Labcorp
Classification: Benign. Last evaluated: 2026-02-04. Review status: criteria provided, single submitter. Criteria: Invitae Variant Classification Sherloc (09022015). Collection method: clinical testing. Allele origin: germline.

Blueprint Genetics
Classification: Likely benign. Last evaluated: 2024-11-28. Review status: criteria provided, single submitter. Criteria: ACMG Guidelines, 2015. Collection method: clinical testing. Allele origin: germline.

Mayo Clinic Laboratories, Mayo Clinic
Classification: Benign. Last evaluated: 2022-04-26. Review status: criteria provided, single submitter. Criteria: ACMG Guidelines, 2015. Collection method: clinical testing. Allele origin: germline. Observed: 9 variant alleles.

GeneDx
Classification: Benign. Last evaluated: 2018-09-06. Review status: criteria provided, single submitter. Criteria: GeneDx Variant Classification Process June 2021. Collection method: clinical testing. Allele origin: germline. Affected: yes.

Breakthrough Genomics
Classification: Benign. Review status: criteria provided, single submitter. Criteria: ACMG Guidelines, 2015. Collection method: not provided. Allele origin: germline. Inheritance: Autosomal dominant inheritance. Affected: yes.

PreventionGenetics, part of Exact Sciences
Classification: Benign for GATA5-related condition. Last evaluated: 2019-06-11. Review status: no assertion criteria provided. Collection method: clinical testing. Allele origin: germline. Not counted in ClinVar's aggregate classification.
Comment: This variant is classified as benign based on ACMG/AMP sequence variant interpretation guidelines (Richards et al. 2015 PMID: 25741868, with internal and published modifications).

Joint Genome Diagnostic Labs from Nijmegen and Maastricht, Radboudumc and MUMC+
Classification: Benign. Review status: no assertion criteria provided. Collection method: clinical testing. Allele origin: germline. Affected: yes. Study: VKGL Data-share Consensus. Not counted in ClinVar's aggregate classification.

Laboratory of Diagnostic Genome Analysis, Leiden University Medical Center (LUMC)
Classification: Likely benign. Review status: no assertion criteria provided. Collection method: clinical testing. Allele origin: germline. Affected: yes. Study: VKGL Data-share Consensus. Not counted in ClinVar's aggregate classification.

NM_080473.5(GATA5):c.199A>C (p.Thr67Pro)

Gene: GATA5 (GATA binding protein 5; minus strand). Cytogenetic location: 20q13.33.
Variant type: single nucleotide variant.
Coding change: c.199A>C on transcript NM_080473.5 (MANE Select); coding-DNA position 199, A replaced by C.
Protein change: p.Thr67Pro; replaces threonine 67 with proline.
Molecular consequence: missense variant.
Genome position (GRCh38, 1-based): chr20:62,475,323, T>G on the plus strand (A>C on the coding strand, the complement: GATA5 is on the minus strand). VCF-style: chr20-62475323-T-G. GRCh37 (hg19) VCF-style: chr20-61050379-T-G.
Other names: p.Thr67Pro; short protein forms T67P.
Identifiers: ClinVar variation 1206316 (VCV001206316.19), dbSNP rs6142775, ClinGen allele CA9946328.